The following is an entry in ClinVar:

ClinVar aggregate classification (germline): Conflicting classifications of pathogenicity. Review status: criteria provided, conflicting classifications (1 of 4 stars). 7 submissions from 7 submitters: Uncertain significance (4); Likely benign (2). 1 of the submissions does not count toward it. Last evaluated 2026-01-16.

Conditions:
DHCR7-related disorder. Also called: DHCR7-related condition.
Inborn genetic diseases. Identifiers: MedGen C0950123, MeSH D030342.
Smith-Lemli-Opitz syndrome (SLOS). Also called: LETHAL ACRODYSGENITAL SYNDROME; POLYDACTYLY, SEX REVERSAL, RENAL HYPOPLASIA, AND UNILOBAR LUNG; RSH SYNDROME; RUTLEDGE LETHAL MULTIPLE CONGENITAL ANOMALY SYNDROME; 7-Dehydrocholesterol reductase deficiency. Identifiers: Orphanet 818, MedGen C0175694, MONDO:0010035, OMIM 270400.

Allele frequency attached by ClinVar (database versions not stated): gnomAD below 0.00001 and 0.00009; TOPMed 0.00001; gnomAD exomes 0.00011 and 0.00022; ExAC 0.00016; 1000 Genomes Project 0.00060; 1000 Genomes Project 30x 0.00062.
gnomAD v4.1: 180 of 1,611,138 alleles (0.011%); highest among the groups gnomAD compares: South Asian, 0.18%; 1 homozygote.

Submissions (7):

Labcorp Genetics (formerly Invitae), Labcorp
Classification: Likely benign for Smith-Lemli-Opitz syndrome. Last evaluated: 2026-01-16. Review status: criteria provided, single submitter. Criteria: Invitae Variant Classification Sherloc (09022015). Collection method: clinical testing. Allele origin: germline.

GeneDx
Classification: Uncertain significance. Last evaluated: 2024-11-06. Review status: criteria provided, single submitter. Criteria: GeneDx Variant Classification Process June 2021. Collection method: clinical testing. Allele origin: germline. Affected: yes.
Comment: In silico analysis indicates that this missense variant does not alter protein structure/function; Has not been previously published as pathogenic or benign to our knowledge; This variant is associated with the following publications: (PMID: 29300326)

Clinical Genomics Laboratory, Stanford Medicine
Classification: Uncertain significance for Smith-Lemli-Opitz syndrome. Last evaluated: 2023-02-17. Review status: criteria provided, single submitter. Criteria: ACMG Guidelines, 2015. Collection method: clinical testing. Allele origin: germline. Observed: 1 variant allele, 1 heterozygote.

Eurofins Ntd Llc (ga)
Classification: Uncertain significance. Last evaluated: 2018-06-26. Review status: criteria provided, single submitter. Criteria: EGL ClinVar v180209 classification definitions. Collection method: clinical testing. Allele origin: germline. Observed: 2 variant alleles, 2 heterozygotes.

Illumina Laboratory Services, Illumina
Classification: Uncertain significance for Smith-Lemli-Opitz syndrome. Last evaluated: 2018-01-12. Review status: criteria provided, single submitter. Criteria: ICSL Variant Classification Criteria 13 December 2019. Collection method: clinical testing. Allele origin: germline.

Ambry Genetics
Classification: Likely benign for Inborn genetic diseases. Last evaluated: 2017-09-20. Review status: criteria provided, single submitter. Criteria: Ambry Variant Classification Scheme 2023. Collection method: clinical testing. Allele origin: germline.

PreventionGenetics, part of Exact Sciences
Classification: Likely benign for DHCR7-related condition. Last evaluated: 2023-01-30. Review status: no assertion criteria provided. Collection method: clinical testing. Allele origin: germline. Not counted in ClinVar's aggregate classification.
Comment: This variant is classified as likely benign based on ACMG/AMP sequence variant interpretation guidelines (Richards et al. 2015 PMID: 25741868, with internal and published modifications).

NM_001360.3(DHCR7):c.1273G>A (p.Gly425Ser)

Gene: DHCR7 (7-dehydrocholesterol reductase; minus strand). Cytogenetic location: 11q13.4.
Variant type: single nucleotide variant.
Coding change: c.1273G>A on transcript NM_001360.3 (MANE Select); coding-DNA position 1273, G replaced by A.
Protein change: p.Gly425Ser; replaces glycine 425 with serine.
Molecular consequence: missense variant.
Genome position (GRCh38, 1-based): chr11:71,435,530, C>T on the plus strand (G>A on the coding strand, the complement: DHCR7 is on the minus strand). VCF-style: chr11-71435530-C-T. GRCh37 (hg19) VCF-style: chr11-71146576-C-T.
Other names: c.1273G>A, p.Gly425Ser (NM_001163817.2); short protein forms G425S.
Identifiers: ClinVar variation 305953 (VCV000305953.22), dbSNP rs760242, ClinGen allele CA6162273.